The following is an entry in ClinVar:

ClinVar aggregate classification (germline): Uncertain significance (1 of 4 stars; one submission).

Conditions:
AHDC1-related disorder. Also called: AHDC1-related condition.

Submission:

PreventionGenetics, part of Exact Sciences
Classification: Uncertain significance for AHDC1-related condition. Last evaluated: 2025-09-05. Review status: criteria provided, single submitter. Criteria: ACMG Guidelines, 2015. Collection method: clinical testing. Allele origin: germline.
Comment: The AHDC1 c.103C>T variant is predicted to result in the amino acid substitution p.Pro35Ser. To our knowledge, this variant has not been reported in the literature or in a large population database (gnomAD), indicating this variant is rare. At this time, the clinical significance of this variant is uncertain due to the absence of conclusive functional and genetic evidence.

NM_001371928.1(AHDC1):c.103C>T (p.Pro35Ser)

Gene: AHDC1 (AT-hook DNA binding motif containing 1; minus strand). Cytogenetic location: 1p36.11.
Variant type: single nucleotide variant.
Coding change: c.103C>T on transcript NM_001371928.1 (MANE Select); coding-DNA position 103, C replaced by T.
Protein change: p.Pro35Ser; replaces proline 35 with serine.
Molecular consequence: missense variant.
Genome position (GRCh38, 1-based): chr1:27,552,013, G>A on the plus strand (C>T on the coding strand, the complement: AHDC1 is on the minus strand). VCF-style: chr1-27552013-G-A. GRCh37 (hg19) VCF-style: chr1-27878524-G-A.
Other names: c.103C>T, p.Pro35Ser (NM_001029882.3); short protein forms P35S.
Identifiers: ClinVar variation 4993871 (VCV004993871.1).
Genomic context (GRCh38, chr1:27,552,013, plus strand): 5'-GGGTGGAGAAGGCCTTGTCAGGTGGGCTGGCAGGGGGCCGGGTGGGAAGCAGGGGCCGGG[G>A]GGTGGGGGGGCCGCCGGGGTAGTACTTGGGTTCCCGGAGGTAGTCAGGAGAGCTGCACAC-3'
Protein context (NP_001358857.1, residues 25-45): PKYYPGGPPT[Pro35Ser]RPLLPTRPPA